The following is an entry in ClinVar:

ClinVar aggregate classification (germline): Uncertain significance (1 of 4 stars; one submission).

Submission:

Labcorp Genetics (formerly Invitae), Labcorp
Classification: Uncertain significance. Last evaluated: 2021-09-24. Review status: criteria provided, single submitter. Criteria: Invitae Variant Classification Sherloc (09022015). Collection method: clinical testing. Allele origin: germline.
Comment: This sequence change replaces alanine with threonine at codon 1932 of the ARID1A protein (p.Ala1932Thr). The alanine residue is weakly conserved and there is a small physicochemical difference between alanine and threonine. This variant is not present in population databases (ExAC no frequency). This variant has not been reported in the literature in individuals affected with ARID1A-related conditions. Advanced modeling of protein sequence and biophysical properties (such as structural, functional, and spatial information, amino acid conservation, physicochemical variation, residue mobility, and thermodynamic stability) performed at Invitae indicates that this missense variant is not expected to disrupt ARID1A protein function. In summary, the available evidence is currently insufficient to determine the role of this variant in disease. Therefore, it has been classified as a Variant of Uncertain Significance.

NM_006015.6(ARID1A):c.5794G>A (p.Ala1932Thr)

Gene: ARID1A (AT-rich interaction domain 1A; plus strand). Cytogenetic location: 1p36.11.
Variant type: single nucleotide variant.
Coding change: c.5794G>A on transcript NM_006015.6 (MANE Select); coding-DNA position 5794, G replaced by A.
Protein change: p.Ala1932Thr; replaces alanine 1932 with threonine.
Molecular consequence: missense variant.
Genome position (GRCh38, 1-based): chr1:26,779,692, G>A. VCF-style: chr1-26779692-G-A. GRCh37 (hg19) VCF-style: chr1-27106183-G-A.
Other names: c.5143G>A, p.Ala1715Thr (NM_139135.4); short protein forms A1715T, A1932T.
Identifiers: ClinVar variation 1518472 (VCV001518472.6), dbSNP rs781038652, ClinGen allele CA339188184.
Genomic context (GRCh38, chr1:26,779,692, plus strand): 5'-GATGACATGTTGTCTACTCGGTCTAGCACCTTGACCGAGGATGGAGCTAAGAGTTCAGAG[G>A]CCATCAAGGAGAGCAGCAAGTTTCCATTTGGCATTAGCCCAGCACAGAGCCACCGGAACA-3'
Protein context (NP_006006.3, residues 1922-1942): LTEDGAKSSE[Ala1932Thr]IKESSKFPFG